The following is an entry in ClinVar:

NM_033004.4(NLRP1):c.2087_2088del (p.Gln696fs)

Gene: NLRP1 (NLR family pyrin domain containing 1; minus strand). Cytogenetic location: 17p13.2.
Variant type: Deletion.
Coding change: c.2087_2088del on transcript NM_033004.4 (MANE Select); coding-DNA positions 2087 to 2088, 2 bases deleted (AG; older notation c.2087_2088delAG).
Protein change: p.Gln696fs; shifts the reading frame from glutamine 696.
Molecular consequence: frameshift variant.
Genome position (GRCh38, 1-based): chr17:5,558,608-5,558,609, CT deleted on the plus strand (AG on the coding strand, the reverse complement: NLRP1 is on the minus strand). VCF-style (leftmost placement, unchanged base first): chr17-5558607-CCT-C. GRCh37 (hg19) VCF-style: chr17-5461927-CCT-C.
Other names: p.Gln696Argfs*63; c.2087_2088del, p.Gln696fs (NM_001033053.3, NM_014922.5, NM_033006.4 and 1 more transcripts); short protein forms Q696fs.
Identifiers: ClinVar variation 1204661 (VCV001204661.10), dbSNP rs763385812, ClinGen allele CA8327260.
Genomic context (GRCh38, chr17:5,558,607, plus strand): 5'-CCAGAGAGTGTGGCTGCAGCAGCAGCTGCAGGGACGGGACCCACTGCATCAGGTTCCTCC[CCT>C]GAGACAGCCGGCAGTGAAAGATGTTCTCCATCTCTCTCTCCCCCTCATCACTTAACAGGC-3'

ClinVar aggregate classification (germline): Uncertain significance. Review status: criteria provided, multiple submitters, no conflicts (2 of 4 stars). 4 submissions from 4 submitters: Uncertain significance (4). Last evaluated 2025-10-01.

Conditions:
NLRP1-related disorder. Also called: NLRP1-related condition.

Allele frequency attached by ClinVar (database versions not stated): gnomAD 0.00001; gnomAD exomes 0.00001 and 0.00002; TOPMed 0.00001; ExAC 0.00004.

Submissions (4):

Mayo Clinic Laboratories, Mayo Clinic
Classification: Uncertain significance. Last evaluated: 2025-10-01. Review status: criteria provided, single submitter. Criteria: ACMG Guidelines, 2015. Collection method: clinical testing. Allele origin: germline. Observed: 1 variant allele.

Labcorp Genetics (formerly Invitae), Labcorp
Classification: Uncertain significance. Last evaluated: 2024-11-02. Review status: criteria provided, single submitter. Criteria: Invitae Variant Classification Sherloc (09022015). Collection method: clinical testing. Allele origin: germline.
Comment: This sequence change creates a premature translational stop signal (p.Gln696Argfs*63) in the NLRP1 gene. It is expected to result in an absent or disrupted protein product. However, the current clinical and genetic evidence is not sufficient to establish whether loss-of-function variants in NLRP1 cause disease. This variant is present in population databases (rs763385812, gnomAD 0.006%). This variant has not been reported in the literature in individuals affected with NLRP1-related conditions. ClinVar contains an entry for this variant (Variation ID: 1204661). In summary, the available evidence is currently insufficient to determine the role of this variant in disease. Therefore, it has been classified as a Variant of Uncertain Significance.

PreventionGenetics, part of Exact Sciences
Classification: Uncertain significance for NLRP1-related condition. Last evaluated: 2022-10-12. Review status: criteria provided, single submitter. Criteria: ACMG Guidelines, 2015. Collection method: clinical testing. Allele origin: germline.
Comment: The NLRP1 c.2087_2088delAG variant is predicted to result in a frameshift and premature protein termination (p.Gln696Argfs*63). To our knowledge, this variant has not been reported in the literature. This variant is reported in 0.0065% of alleles in individuals of South Asian descent in gnomAD. Loss of function variants have not commonly been reported in the NLRP1 gene. At this time, the clinical significance of this variant is uncertain due to the absence of conclusive functional and genetic evidence.

GeneDx
Classification: Uncertain significance. Last evaluated: 2021-04-08. Review status: criteria provided, single submitter. Criteria: GeneDx Variant Classification Process June 2021. Collection method: clinical testing. Allele origin: germline. Affected: yes.
Comment: Frameshift variant predicted to result in protein truncation or nonsense mediated decay in a gene for which loss-of-function is not a known mechanism of disease; Has not been previously published as pathogenic or benign to our knowledge

Literature cited by the submitters: PubMed 31484767 (cited by Mayo Clinic Laboratories, Mayo Clinic).